The following is an entry in ClinVar:

NM_001013703.4(EIF2AK4):c.4599T>G (p.Ile1533Met)

Gene: EIF2AK4 (eukaryotic translation initiation factor 2 alpha kinase 4; plus strand). Cytogenetic location: 15q15.1.
Variant type: single nucleotide variant.
Coding change: c.4599T>G on transcript NM_001013703.4 (MANE Select); coding-DNA position 4599, T replaced by G.
Protein change: p.Ile1533Met; replaces isoleucine 1533 with methionine.
Molecular consequence: missense variant.
Genome position (GRCh38, 1-based): chr15:40,030,396, T>G. VCF-style: chr15-40030396-T-G. GRCh37 (hg19) VCF-style: chr15-40322597-T-G.
Other names: short protein forms I1533M.
Identifiers: ClinVar variation 2046525 (VCV002046525.4), dbSNP rs1757072278, ClinGen allele CA391681712.
Genomic context (GRCh38, chr15:40,030,396, plus strand): 5'-TTCTGAAACTCTCTTGGTCTCAGGTTTGTTTGAAATCCATGGAGCAACAGTGGTTCCCAT[T>G]GTGAGTGTGCTAGCCCCGGAGAAGCTGTCAGCCAGCACTAGGAGGCGCTATGAAACTCAG-3'
Protein context (NP_001013725.2, residues 1523-1543): FEIHGATVVP[Ile1533Met]VSVLAPEKLS

ClinVar aggregate classification (germline): Uncertain significance (1 of 4 stars; one submission).

gnomAD v4.1: 1 of 1,614,106 alleles (0.000062%); highest among the groups gnomAD compares: Non-Finnish European, 0.000085%; no homozygotes.

Submission:

Labcorp Genetics (formerly Invitae), Labcorp
Classification: Uncertain significance. Last evaluated: 2021-12-30. Review status: criteria provided, single submitter. Criteria: Invitae Variant Classification Sherloc (09022015). Collection method: clinical testing. Allele origin: germline.
Comment: Algorithms developed to predict the effect of sequence changes on RNA splicing suggest that this variant may create or strengthen a splice site. In summary, the available evidence is currently insufficient to determine the role of this variant in disease. Therefore, it has been classified as a Variant of Uncertain Significance. This sequence change replaces isoleucine, which is neutral and non-polar, with methionine, which is neutral and non-polar, at codon 1533 of the EIF2AK4 protein (p.Ile1533Met). This variant is not present in population databases (gnomAD no frequency). This variant has not been reported in the literature in individuals affected with EIF2AK4-related conditions. Advanced modeling of protein sequence and biophysical properties (such as structural, functional, and spatial information, amino acid conservation, physicochemical variation, residue mobility, and thermodynamic stability) performed at Invitae indicates that this missense variant is not expected to disrupt EIF2AK4 protein function.